The following is an entry in ClinVar:

NM_002087.4(GRN):c.1458C>A (p.Tyr486Ter)

Gene: GRN (granulin precursor; plus strand). Cytogenetic location: 17q21.31.
Variant type: single nucleotide variant.
Coding change: c.1458C>A on transcript NM_002087.4 (MANE Select); coding-DNA position 1458, C replaced by A.
Protein change: p.Tyr486Ter; replaces tyrosine 486 with a stop codon.
Molecular consequence: nonsense.
Genome position (GRCh38, 1-based): chr17:44,352,385, C>A. VCF-style: chr17-44352385-C-A. GRCh37 (hg19) VCF-style: chr17-42429753-C-A.
Other names: short protein forms Y486*.
Identifiers: ClinVar variation 3759194 (VCV003759194.2).

ClinVar aggregate classification (germline): Pathogenic (1 of 4 stars; one submission).

Conditions:
Neuronal ceroid lipofuscinosis 11. Also called: GRN-Related Neuronal Ceroid-Lipofuscinosis. Identifiers: Orphanet 314629, Orphanet 79262, MedGen C3539123, MONDO:0013866, OMIM 614706.
GRN-related frontotemporal lobar degeneration with Tdp43 inclusions (FTD2). Also called: DEMENTIA, HEREDITARY DYSPHASIC DISINHIBITION; FRONTOTEMPORAL LOBAR DEGENERATION WITH UBIQUITIN-POSITIVE INCLUSIONS; FTLD-TDP, GRN-RELATED; GRN Frontotemporal Dementia; FRONTOTEMPORAL DEMENTIA WITH TDP43 INCLUSIONS, GRN-RELATED. Identifiers: Orphanet 100070, Orphanet 282, MedGen C1843792, MONDO:0011842, OMIM 607485. Disease mechanism: loss of function.

Submission:

Labcorp Genetics (formerly Invitae), Labcorp
Classification: Pathogenic for Neuronal ceroid lipofuscinosis 11; GRN-related frontotemporal lobar degeneration with Tdp43 inclusions. Last evaluated: 2024-09-22. Review status: criteria provided, single submitter. Criteria: Invitae Variant Classification Sherloc (09022015). Collection method: clinical testing. Allele origin: germline.
Comment: This sequence change creates a premature translational stop signal (p.Tyr486*) in the GRN gene. It is expected to result in an absent or disrupted protein product. Loss-of-function variants in GRN are known to be pathogenic (PMID: 16862116, 16950801, 22608501). This variant is not present in population databases (gnomAD no frequency). This variant has not been reported in the literature in individuals affected with GRN-related conditions. For these reasons, this variant has been classified as Pathogenic.

Literature cited by the submitters: PubMed 16862116; PubMed 16950801; PubMed 22608501.